The following is an entry in ClinVar:

NM_033004.4(NLRP1):c.1420C>A (p.Arg474Ser)

Gene: NLRP1 (NLR family pyrin domain containing 1; minus strand). Cytogenetic location: 17p13.2.
Variant type: single nucleotide variant.
Coding change: c.1420C>A on transcript NM_033004.4 (MANE Select); coding-DNA position 1420, C replaced by A.
Protein change: p.Arg474Ser; replaces arginine 474 with serine.
Molecular consequence: missense variant.
Genome position (GRCh38, 1-based): chr17:5,559,276, G>T on the plus strand (C>A on the coding strand, the complement: NLRP1 is on the minus strand). VCF-style: chr17-5559276-G-T. GRCh37 (hg19) VCF-style: chr17-5462596-G-T.
Other names: c.1420C>A, p.Arg474Ser (NM_001033053.3, NM_014922.5, NM_033006.4 and 1 more transcripts); short protein forms R474S.
Identifiers: ClinVar variation 2814129 (VCV002814129.3), dbSNP rs202231072, ClinGen allele CA397385898.

ClinVar aggregate classification (germline): Uncertain significance (1 of 4 stars; one submission).

Submission:

Labcorp Genetics (formerly Invitae), Labcorp
Classification: Uncertain significance. Last evaluated: 2023-07-10. Review status: criteria provided, single submitter. Criteria: Invitae Variant Classification Sherloc (09022015). Collection method: clinical testing. Allele origin: germline.
Comment: This variant is not present in population databases (gnomAD no frequency). This variant has not been reported in the literature in individuals affected with NLRP1-related conditions. An algorithm developed to predict the effect of missense changes on protein structure and function (PolyPhen-2) suggests that this variant is likely to be disruptive. In summary, the available evidence is currently insufficient to determine the role of this variant in disease. Therefore, it has been classified as a Variant of Uncertain Significance. This sequence change replaces arginine, which is basic and polar, with serine, which is neutral and polar, at codon 474 of the NLRP1 protein (p.Arg474Ser).